The following is an entry in ClinVar:

ClinVar aggregate classification (germline): Uncertain significance. Review status: criteria provided, multiple submitters, no conflicts (2 of 4 stars). 3 submissions from 3 submitters: Uncertain significance (2). 1 of the submissions does not count toward it. Last evaluated 2026-01-21.

Conditions:
FAS-related disorder. Also called: FAS-related condition.
Autoimmune lymphoproliferative syndrome type 1. Also called: AUTOIMMUNE LYMPHOPROLIFERATIVE SYNDROME, TYPE I, AUTOSOMAL DOMINANT. Identifiers: Orphanet 3261, MedGen C2717884, MONDO:0011158, OMIM 601859.
FAS-related autoimmune lymphoproliferative syndrome. Also called: AUTOIMMUNE LYMPHOPROLIFERATIVE SYNDROME, TYPE IA; AUTOIMMUNE LYMPHOPROLIFERATIVE SYNDROME, TYPE IA, AUTOSOMAL RECESSIVE. Identifiers: MedGen C1866119, MONDO:1060194.

Allele frequency attached by ClinVar (database versions not stated): gnomAD exomes below 0.00001 and 0.00002; TOPMed below 0.00001.
gnomAD v4.1: 25 of 1,613,962 alleles (0.0015%); highest among the groups gnomAD compares: Non-Finnish European, 0.002%; no homozygotes.

Submissions (3):

3billion
Classification: Uncertain significance for FAS-related disorder. Last evaluated: 2026-01-21. Review status: criteria provided, single submitter. Criteria: ACMG Guidelines, 2015. Collection method: clinical testing. Allele origin: germline. Affected: yes.
Comment: The variant is observed at an extremely low frequency in the gnomAD v4.1.0 dataset (total allele frequency: 0.002%). Predicted Consequence/Location: Missense variant In silico tool predictions suggest damaging effect of the variant on gene or gene product [3Cnet: 0.86 (> 0.75, sensitivity 0.96 and precision 0.92)]. The same nucleotide change resulting in the same amino acid change has been previously reported to be associated with FAS-related disorder (ClinVar ID: VCV000016502 /PMID: 9028321). However, the evidence of pathogenicity is insufficient at this time. Therefore, this variant is classified as VUS according to the recommendation of ACMG/AMP guideline.

Labcorp Genetics (formerly Invitae), Labcorp
Classification: Uncertain significance for Autoimmune lymphoproliferative syndrome. Last evaluated: 2024-09-11. Review status: criteria provided, single submitter. Criteria: Invitae Variant Classification Sherloc (09022015). Collection method: clinical testing. Allele origin: germline.
Comment: This sequence change replaces arginine, which is basic and polar, with tryptophan, which is neutral and slightly polar, at codon 121 of the FAS protein (p.Arg121Trp). This variant is present in population databases (rs121913078, gnomAD 0.003%). This missense change has been observed in individual(s) with autoimmune lymphoproliferative syndrome (ALPS) (PMID: 9028321, 28087326). It has also been observed to segregate with disease in related individuals. This variant is also known as Arg105Trp. ClinVar contains an entry for this variant (Variation ID: 16502). Invitae Evidence Modeling of protein sequence and biophysical properties (such as structural, functional, and spatial information, amino acid conservation, physicochemical variation, residue mobility, and thermodynamic stability) has been performed for this missense variant. However, the output from this modeling did not meet the statistical confidence thresholds required to predict the impact of this variant on FAS protein function. In summary, the available evidence is currently insufficient to determine the role of this variant in disease. Therefore, it has been classified as a Variant of Uncertain Significance.

OMIM
Classification: Pathogenic for AUTOIMMUNE LYMPHOPROLIFERATIVE SYNDROME, TYPE IA, AUTOSOMAL RECESSIVE. Last evaluated: 1997-02-01. Review status: no assertion criteria provided. Collection method: literature only. Allele origin: germline. Not counted in ClinVar's aggregate classification.

Literature cited by the submitters: PubMed 9028321 (cited by 3 submitters); PubMed 28087326 (cited by Labcorp Genetics (formerly Invitae), Labcorp).

NM_000043.6(FAS):c.361C>T (p.Arg121Trp)

Gene: FAS (Fas cell surface death receptor; plus strand). Cytogenetic location: 10q23.31.
Variant type: single nucleotide variant.
Coding change: c.361C>T on transcript NM_000043.6 (MANE Select); coding-DNA position 361, C replaced by T.
Protein change: p.Arg121Trp; replaces arginine 121 with tryptophan.
Molecular consequence: missense variant. On other transcripts: non-coding transcript variant (1).
Genome position (GRCh38, 1-based): chr10:89,008,915, C>T. VCF-style: chr10-89008915-C-T. GRCh37 (hg19) VCF-style: chr10-90768672-C-T.
Other names: R105W; c.361C>T, p.Arg121Trp (LRG_134t1, NM_001320619.2, NM_152871.4 and 1 more transcripts); short protein forms R121W.
Identifiers: ClinVar variation 16502 (VCV000016502.5), dbSNP rs121913078, ClinGen allele CA126574.